The following is an entry in ClinVar:

ClinVar aggregate classification (germline): Uncertain significance (1 of 4 stars; one submission).

Conditions:
Cardiovascular phenotype. Identifiers: MedGen CN230736.

gnomAD v4.1: 1 of 1,613,814 alleles (0.000062%); highest among the groups gnomAD compares: African/African-American, 0.0013%; no homozygotes.

Submission:

Ambry Genetics
Classification: Uncertain significance for Cardiovascular phenotype. Last evaluated: 2025-12-10. Review status: criteria provided, single submitter. Criteria: Ambry Variant Classification Scheme 2023. Collection method: clinical testing. Allele origin: germline.
Comment: The p.R92Q variant (also known as c.275G>A), located in coding exon 4 of the TRPM4 gene, results from a G to A substitution at nucleotide position 275. The arginine at codon 92 is replaced by glutamine, an amino acid with highly similar properties. This amino acid position is conserved. In addition, the in silico prediction for this alteration is inconclusive. Based on the available evidence, the clinical significance of this variant remains unclear.

NM_017636.4(TRPM4):c.275G>A (p.Arg92Gln)

Gene: TRPM4 (transient receptor potential cation channel subfamily M member 4; plus strand). Cytogenetic location: 19q13.33.
Variant type: single nucleotide variant.
Coding change: c.275G>A on transcript NM_017636.4 (MANE Select); coding-DNA position 275, G replaced by A.
Protein change: p.Arg92Gln; replaces arginine 92 with glutamine.
Molecular consequence: missense variant. On other transcripts: intron variant (4).
Genome position (GRCh38, 1-based): chr19:49,167,924, G>A. VCF-style: chr19-49167924-G-A. GRCh37 (hg19) VCF-style: chr19-49671181-G-A.
Other names: c.275G>A, p.Arg92Gln (NM_001195227.2); c.-1105-336G>A (NM_001321282.2); c.268-629G>A (NM_001321281.2); c.-74-336G>A (NM_001321283.2); c.-237-629G>A (NM_001321285.2); short protein forms R92Q.
Identifiers: ClinVar variation 4615281 (VCV004615281.1).